The following is an entry in ClinVar:

ClinVar aggregate classification (germline): Pathogenic (1 of 4 stars; one submission).

Submission:

Labcorp Genetics (formerly Invitae), Labcorp
Classification: Pathogenic. Last evaluated: 2023-07-06. Review status: criteria provided, single submitter. Criteria: Invitae Variant Classification Sherloc (09022015). Collection method: clinical testing. Allele origin: germline.
Comment: For these reasons, this variant has been classified as Pathogenic. This variant has not been reported in the literature in individuals affected with CEP152-related conditions. This variant is not present in population databases (gnomAD no frequency). This sequence change creates a premature translational stop signal (p.Ala310Hisfs*9) in the CEP152 gene. It is expected to result in an absent or disrupted protein product. Loss-of-function variants in CEP152 are known to be pathogenic (PMID: 21131973).

Literature cited by the submitters: PubMed 21131973.

NM_001194998.2(CEP152):c.927del (p.Ala310fs)

Gene: CEP152 (centrosomal protein 152; minus strand). Cytogenetic location: 15q21.1.
Variant type: Deletion.
Coding change: c.927del on transcript NM_001194998.2 (MANE Select); coding-DNA position 927, one base deleted (A; older notation c.927delA).
Protein change: p.Ala310fs; shifts the reading frame from alanine 310.
Molecular consequence: frameshift variant.
Genome position (GRCh38, 1-based): chr15:48,791,282, T deleted on the plus strand (A on the coding strand, the reverse complement: CEP152 is on the minus strand); the first of 4 consecutive T bases (chr15:48,791,282-48,791,285); deleting any one gives the same sequence. VCF-style (leftmost placement, unchanged base first): chr15-48791281-CT-C. GRCh37 (hg19) VCF-style: chr15-49083478-CT-C.
Other names: c.927del, p.Ala310fs (NM_014985.4); short protein forms A310fs.
Identifiers: ClinVar variation 2736277 (VCV002736277.3), dbSNP rs2504879533, ClinGen allele CA2697549080.
Genomic context (GRCh38, chr15:48,791,281, plus strand): 5'-AAGTTAAAATAGGTACCTGTTCTTCATTGACTTTTAATGCTTGTATCTGAGTCTCCAGTG[CT>C]TTTATTTGAGCTTCAAGCTGTATCTCTCTTTCTTTTCCATTCTGAAAGAGTTTCTGTGAT-3'